The following is an entry in ClinVar:

ClinVar aggregate classification (germline): Likely pathogenic (1 of 4 stars; one submission).

Conditions:
Branchiootorenal syndrome 1. Also called: Branchio-Oto-Renal Syndrome 1. Identifiers: Orphanet 107, MedGen C4551702, MONDO:0007236, OMIM 113650.

Submission:

Institute of Rare Diseases, West China Hospital, Sichuan University
Classification: Likely pathogenic for Branchiootorenal syndrome 1. Last evaluated: 2025-01-09. Review status: criteria provided, single submitter. Criteria: ClinGen HL ACMG Specifications v1. Collection method: research. Allele origin: germline. Affected: yes.
Comment: PVS1;PM2_Supporting

NM_000503.6(EYA1):c.1620_1652dup (p.Tyr551Ter)

Gene: EYA1 (EYA transcriptional coactivator and phosphatase 1; minus strand). Cytogenetic location: 8q13.3.
Variant type: Duplication.
Coding change: c.1620_1652dup on transcript NM_000503.6 (MANE Select); coding-DNA positions 1620 to 1652, 33 bases duplicated.
Protein change: p.Tyr551Ter; replaces tyrosine 551 with a stop codon.
Molecular consequence: nonsense.
Genome position (GRCh38, 1-based): chr8:71,211,202-71,211,234, 33 bases duplicated. GRCh37 (hg19): chr8:72,123,437-72,123,469.
Other names: c.1602_1634dup, p.Tyr545Ter (NM_001288574.2, NM_172059.5); c.1254_1286dup, p.Tyr429Ter (NM_001288575.2); c.1707_1739dup, p.Tyr580Ter (NM_001370333.1); c.1620_1652dup, p.Tyr551Ter (NM_001370334.1, NM_001370335.1, NM_172058.4); c.1599_1631dup, p.Tyr544Ter (NM_001370336.1); c.1521_1553dup, p.Tyr518Ter (NM_001411797.1, NM_172060.4); short protein forms Y429*, Y518*, Y544*, Y545*, Y551*, Y580*.
Identifiers: ClinVar variation 3601101 (VCV003601101.1).